The following is an entry in ClinVar:

NM_000136.3(FANCC):c.1351G>C (p.Gly451Arg)

Genes: FANCC (FA complementation group C; minus strand), AOPEP (aminopeptidase O (putative); plus strand). Cytogenetic location: 9q22.32.
Variant type: single nucleotide variant.
Coding change: c.1351G>C on transcript NM_000136.3 (MANE Select); coding-DNA position 1351, G replaced by C.
Protein change: p.Gly451Arg; replaces glycine 451 with arginine.
Molecular consequence: missense variant.
Genome position (GRCh38, 1-based): chr9:95,107,248, C>G on the plus strand (G>C on the coding strand, the complement: FANCC is on the minus strand). VCF-style: chr9-95107248-C-G. GRCh37 (hg19) VCF-style: chr9-97869530-C-G.
Other names: c.1351G>C, p.Gly451Arg (NM_001243743.2); short protein forms G451R.
Identifiers: ClinVar variation 4640897 (VCV004640897.1).

ClinVar aggregate classification (germline): Uncertain significance (1 of 4 stars; one submission).

Conditions:
Hereditary cancer-predisposing syndrome. Also called: Neoplastic Syndromes, Hereditary; Tumor predisposition; Hereditary Cancer Syndrome; Hereditary neoplastic syndrome. Identifiers: Orphanet 140162, MedGen C0027672, MeSH D009386, MONDO:0015356.

gnomAD v4.1: 1 of 1,613,956 alleles (0.000062%); highest among the groups gnomAD compares: South Asian, 0.0011%; no homozygotes.

Submission:

Ambry Genetics
Classification: Uncertain significance for Hereditary cancer-predisposing syndrome. Last evaluated: 2025-10-30. Review status: criteria provided, single submitter. Criteria: Ambry Variant Classification Scheme 2023. Collection method: clinical testing. Allele origin: germline.
Comment: The p.G451R variant (also known as c.1351G>C), located in coding exon 13 of the FANCC gene, results from a G to C substitution at nucleotide position 1351. The glycine at codon 451 is replaced by arginine, an amino acid with dissimilar properties. This amino acid position is conserved. In addition, this alteration is predicted to be tolerated by in silico analysis. Based on the available evidence, the clinical significance of this variant remains unclear.